The following is an entry in ClinVar:

ClinVar aggregate classification (germline): Likely benign (1 of 4 stars; one submission).

Allele frequency attached by ClinVar (database versions not stated): 1000 Genomes Project 30x 0.00031; TOPMed 0.00207; gnomAD 0.00219.
gnomAD v4.1: 1,293 of 503,490 alleles (0.26%); highest among the groups gnomAD compares: Non-Finnish European, 0.35%; 6 homozygotes.

Submission:

CeGaT Center for Human Genetics Tuebingen
Classification: Likely benign. Last evaluated: 2022-12-01. Review status: criteria provided, single submitter. Criteria: CeGaT Center For Human Genetics Tuebingen Variant Classification Criteria Version 2. Collection method: clinical testing. Allele origin: germline. Affected: yes. Observed: 1 variant allele.
Comment: TMEM200C: BP4, BP7

NM_001395400.1(TMEM200C):c.963C>G (p.Ala321=)

Genes: MIR3976HG (MIR3976 host gene; plus strand), TMEM200C (transmembrane protein 200C; minus strand). Cytogenetic location: 18p11.31.
Variant type: single nucleotide variant.
Coding change: c.963C>G on transcript NM_001395400.1 (MANE Select); coding-DNA position 963, C replaced by G.
Protein change: p.Ala321=; no amino-acid change (alanine 321 retained).
Molecular consequence: synonymous variant.
Genome position (GRCh38, 1-based): chr18:5,891,101, G>C on the plus strand (C>G on the coding strand, the complement: TMEM200C is on the minus strand). VCF-style: chr18-5891101-G-C. GRCh37 (hg19) VCF-style: chr18-5891100-G-C.
Other names: c.963C>G, p.Ala321= (NM_001080209.3).
Identifiers: ClinVar variation 2648537 (VCV002648537.24), dbSNP rs757049935, ClinGen allele CA295709670.